The following is an entry in ClinVar:

ClinVar aggregate classification (germline): Uncertain significance (1 of 4 stars; one submission).

Conditions:
Beckwith-Wiedemann syndrome (BWS). Also called: Exomphalos macroglossia gigantism syndrome; EMG SYNDROME. Identifiers: Orphanet 116, MedGen C0004903, MONDO:0007534, OMIM 130650.

Submission:

Cambridge Genomics Laboratory, East Genomic Laboratory Hub, NHS Genomic Medicine Service
Classification: Uncertain significance for Beckwith-Wiedemann syndrome. Last evaluated: 2026-04-27. Review status: criteria provided, single submitter. Criteria: ACGS Best Practice Guidelines for Variant Classification in Rare Disease 2020. Collection method: clinical testing. Allele origin: germline. Affected: yes.
Comment: PM1,PM2,PP4

NM_001122630.2(CDKN1C):c.242G>C (p.Arg81Pro)

Gene: CDKN1C (cyclin dependent kinase inhibitor 1C; minus strand). Cytogenetic location: 11p15.4.
Variant type: single nucleotide variant.
Coding change: c.242G>C on transcript NM_001122630.2 (MANE Select); coding-DNA position 242, G replaced by C.
Protein change: p.Arg81Pro; replaces arginine 81 with proline.
Molecular consequence: missense variant.
Genome position (GRCh38, 1-based): chr11:2,885,215, C>G on the plus strand (G>C on the coding strand, the complement: CDKN1C is on the minus strand). VCF-style: chr11-2885215-C-G. GRCh37 (hg19) VCF-style: chr11-2906445-C-G.
Other names: c.275G>C, p.Arg92Pro (NM_000076.2, NM_001362474.2); c.242G>C, p.Arg81Pro (NM_001122631.2, NM_001362475.2); short protein forms R81P, R92P.
Identifiers: ClinVar variation 4850675 (VCV004850675.1).
Genomic context (GRCh38, chr11:2,885,215, plus strand): 5'-GCGACCGCGACGGGCCGCGGCGCCAGCAGCAGGCGGCAGCGCCCCACCTGCACCGTCTCG[C>G]GGTAGAACGCGGGCACCGAGTCGCTGTCCACTTCGGTCCACTGCAGGCGTCCAGGGCCCC-3'
Protein context (NP_001116102.1, residues 71-91): VDSDSVPAFY[Arg81Pro]ETVQVGRCRL